The following is an entry in ClinVar:

ClinVar aggregate classification (germline): Uncertain significance (1 of 4 stars; one submission).

gnomAD v4.1: 1 of 1,209,868 alleles (0.000083%); highest among the groups gnomAD compares: South Asian, 0.0018%; no homozygotes.

Submission:

GeneDx
Classification: Uncertain significance. Last evaluated: 2024-12-04. Review status: criteria provided, single submitter. Criteria: GeneDx Variant Classification Process June 2021. Collection method: clinical testing. Allele origin: germline. Affected: yes.
Comment: Not observed at significant frequency in large population cohorts (gnomAD); In silico analysis indicates that this missense variant does not alter protein structure/function; Has not been previously published as pathogenic or benign to our knowledge

NM_001330574.2(ZNF711):c.224A>G (p.Asp75Gly)

Gene: ZNF711 (zinc finger protein 711; plus strand). Cytogenetic location: Xq21.1.
Variant type: single nucleotide variant.
Coding change: c.224A>G on transcript NM_001330574.2 (MANE Select); coding-DNA position 224, A replaced by G.
Protein change: p.Asp75Gly; replaces aspartic acid 75 with glycine.
Molecular consequence: missense variant.
Genome position (GRCh38, 1-based): chrX:85,255,403, A>G. VCF-style: chrX-85255403-A-G. GRCh37 (hg19) VCF-style: chrX-84510409-A-G.
Other names: c.224A>G, p.Asp75Gly (NM_001375431.1, NM_001375432.1, NM_001375433.1 and 5 more transcripts); short protein forms D75G.
Identifiers: ClinVar variation 3901361 (VCV003901361.1).